The following is an entry in ClinVar:

NM_000179.3(MSH6):c.3351_3352del (p.Cys1117_Glu1118delinsTer)

Gene: MSH6 (mutS homolog 6; plus strand). Cytogenetic location: 2p16.3.
Variant type: Microsatellite.
Coding change: c.3351_3352del on transcript NM_000179.3 (MANE Select); coding-DNA positions 3351 to 3352, 2 bases deleted (TG; older notation c.3351_3352delTG).
Protein change: p.Cys1117_Glu1118delinsTer.
Molecular consequence: nonsense. On other transcripts: non-coding transcript variant (5).
Genome position (GRCh38, 1-based): chr2:47,803,598-47,803,599, TG deleted; deleting any 2 consecutive bases within chr2:47,803,596-47,803,599 gives the same sequence; the c. name uses the placement nearest the transcript's 3' end. VCF-style (leftmost placement, unchanged base first): chr2-47803595-CTG-C. GRCh37 (hg19) VCF-style: chr2-48030734-CTG-C.
Other names: c.2961_2962del, p.Cys987_Glu988delinsTer (NM_001281492.2); c.2445_2446del, p.Cys815_Glu816delinsTer (NM_001281493.2, NM_001281494.2, NM_001406811.1 and 6 more transcripts); c.3447_3448del, p.Cys1149_Glu1150delinsTer (NM_001406795.1, NM_001406802.1); c.3351_3352del, p.Cys1117_Glu1118delinsTer (NM_001406796.1, NM_001406800.1, NM_001406808.1 and 1 more transcripts); c.3054_3055del, p.Cys1018_Glu1019delinsTer (NM_001406797.1, NM_001406801.1, NM_001406805.1 and 10 more transcripts); c.3177_3178del, p.Cys1059_Glu1060delinsTer (NM_001406798.1); c.2826_2827del, p.Cys942_Glu943delinsTer (NM_001406799.1, NM_001406806.1, NM_001406807.1); c.2487_2488del, p.Cys829_Glu830delinsTer (NM_001406803.1); and 7 more.
Identifiers: ClinVar variation 2583823 (VCV002583823.2), dbSNP rs2530770310, ClinGen allele CA2582342381.

ClinVar aggregate classification (germline): Pathogenic (1 of 4 stars; one submission).

Conditions:
Lynch syndrome 5 (LYNCH5). Also called: Colorectal cancer, hereditary nonpolyposis, type 5; Hereditary non-polyposis colorectal cancer, type 5. Identifiers: Orphanet 144, MedGen C1833477, MONDO:0013710, OMIM 614350. Disease mechanism: loss of function.

Submission:

Myriad Genetics, Inc.
Classification: Pathogenic for Lynch syndrome 5. Last evaluated: 2023-05-12. Review status: criteria provided, single submitter. Criteria: Myriad Autosomal Dominant, Autosomal Recessive and X-Linked Classification Criteria (2023). Collection method: clinical testing. Allele origin: unknown.
Comment: This variant is considered pathogenic. This variant creates a termination codon and is predicted to result in premature protein truncation.